The following is an entry in ClinVar:

NM_001330260.2(SCN8A):c.3942+2_3942+5dup

Gene: SCN8A (sodium voltage-gated channel alpha subunit 8; plus strand). Cytogenetic location: 12q13.13.
Variant type: Duplication.
Coding change: c.3942+2_3942+5dup on transcript NM_001330260.2 (MANE Select); the canonical splice donor site of the intron after coding-DNA position 3942 through 5 bases into the intron after coding-DNA position 3942, 4 bases duplicated (TAAG; older notation c.3942+2_3942+5dupTAAG).
Molecular consequence: splice donor variant. On other transcripts: intron variant (2).
Genome position (GRCh38, 1-based): chr12:51,780,773-51,780,776, TAAG duplicated; duplicating any 4 consecutive bases within chr12:51,780,772-51,780,776 gives the same sequence; the c. name uses the placement nearest the transcript's 3' end. VCF-style (leftmost placement, unchanged base first): chr12-51780771-G-GGTAA. GRCh37 (hg19) VCF-style: chr12-52174555-G-GGTAA.
Other names: c.3942+2_3942+5dup (NM_014191.4); c.3820-5769_3820-5766dup (NM_001177984.3, NM_001369788.1).
Identifiers: ClinVar variation 1036857 (VCV001036857.11), dbSNP rs764867016, ClinGen allele CA6571722.

ClinVar aggregate classification (germline): Uncertain significance (1 of 4 stars; one submission).

Conditions:
Early-infantile DEE. Also called: Early infantile epileptic encephalopathy with suppression bursts; Early infantile epileptic encephalopathy; Ohtahara syndrome. Identifiers: Orphanet 1934, MedGen C0393706, MONDO:0800491.
Developmental and epileptic encephalopathy, 13 (DEE13). Also called: Early infantile epileptic encephalopathy 13; Developmental and Epileptic Encephalopathy (SCN8A-DEE); SCN8A-Related Epilepsy. Identifiers: Orphanet 442835, MedGen C3281191, MONDO:0013801, OMIM 614558.
Seizures, benign familial infantile, 5 (BFIS5). Also called: CONVULSIONS, BENIGN FAMILIAL INFANTILE, 5. Identifiers: Orphanet 306, MedGen C4310728, MONDO:0014903, OMIM 617080.

Submission:

Labcorp Genetics (formerly Invitae), Labcorp
Classification: Uncertain significance for Early-infantile DEE. Last evaluated: 2020-06-10. Review status: criteria provided, single submitter. Criteria: Invitae Variant Classification Sherloc (09022015). Collection method: clinical testing. Allele origin: germline.
Comment: Nucleotide substitutions within the consensus splice site are a relatively common cause of aberrant splicing (PMID: 17576681, 9536098). Algorithms developed to predict the effect of sequence changes on RNA splicing suggest that this variant may create or strengthen a splice site, but this prediction has not been confirmed by published transcriptional studies. In summary, the available evidence is currently insufficient to determine the role of this variant in disease. Therefore, it has been classified as a Variant of Uncertain Significance. This variant has not been reported in the literature in individuals with SCN8A-related conditions. This sequence change falls in intron 21 of the SCN8A gene. It does not directly change the encoded amino acid sequence of the SCN8A protein, but it affects nucleotides within the consensus splice site of the intron. This variant is present in population databases (rs764867016, ExAC 0.002%).

Literature cited by the submitters: PubMed 17576681 (cited by Labcorp Genetics (formerly Invitae), Labcorp); PubMed 9536098 (cited by Labcorp Genetics (formerly Invitae), Labcorp).